The following is an entry in ClinVar:

ClinVar aggregate classification (germline): Uncertain significance (1 of 4 stars; one submission).

Submission:

GeneDx
Classification: Uncertain significance. Last evaluated: 2024-06-11. Review status: criteria provided, single submitter. Criteria: GeneDx Variant Classification Process June 2021. Collection method: clinical testing. Allele origin: germline. Affected: yes.
Comment: Not observed at significant frequency in large population cohorts (gnomAD); Missense variant in a gene in which most reported pathogenic variants are truncating/loss of function; Has not been previously published as pathogenic or benign to our knowledge

NM_001267550.2(TTN):c.87238A>G (p.Arg29080Gly)

Genes: TTN (titin; minus strand), TTN-AS1 (TTN antisense RNA 1; plus strand). Cytogenetic location: 2q31.2.
Variant type: single nucleotide variant.
Coding change: c.87238A>G on transcript NM_001267550.2 (MANE Select); coding-DNA position 87238, A replaced by G.
Protein change: p.Arg29080Gly; replaces arginine 29080 with glycine.
Molecular consequence: missense variant.
Genome position (GRCh38, 1-based): chr2:178,558,116, T>C on the plus strand (A>G on the coding strand, the complement: TTN is on the minus strand). VCF-style: chr2-178558116-T-C. GRCh37 (hg19) VCF-style: chr2-179422843-T-C.
Other names: c.82315A>G, p.Arg27439Gly (NM_001256850.1); c.60043A>G, p.Arg20015Gly (NM_003319.4); c.79534A>G, p.Arg26512Gly (NM_133378.4); c.60418A>G, p.Arg20140Gly (NM_133432.3); c.60619A>G, p.Arg20207Gly (NM_133437.4); short protein forms R20015G, R20140G, R20207G, R26512G, R27439G, R29080G.
Identifiers: ClinVar variation 3390776 (VCV003390776.1).